The following is an entry in ClinVar:

NM_001378454.1(ALMS1):c.4354G>A (p.Ala1452Thr)

Gene: ALMS1 (ALMS1 centrosome and basal body associated protein; plus strand). Cytogenetic location: 2p13.1.
Variant type: single nucleotide variant.
Coding change: c.4354G>A on transcript NM_001378454.1 (MANE Select); coding-DNA position 4354, G replaced by A.
Protein change: p.Ala1452Thr; replaces alanine 1452 with threonine.
Molecular consequence: missense variant.
Genome position (GRCh38, 1-based): chr2:73,450,881, G>A. VCF-style: chr2-73450881-G-A. GRCh37 (hg19) VCF-style: chr2-73678008-G-A.
Other names: c.4357G>A, p.Ala1453Thr (NM_015120.4); short protein forms A1452T, A1453T.
Identifiers: ClinVar variation 2073687 (VCV002073687.3), dbSNP rs749337113, ClinGen allele CA1713695.

ClinVar aggregate classification (germline): Uncertain significance. Review status: criteria provided, multiple submitters, no conflicts (2 of 4 stars). 2 submissions from 2 submitters: Uncertain significance (2). Last evaluated 2023-08-11.

Conditions:
Cardiovascular phenotype. Identifiers: MedGen CN230736.
Alstrom syndrome (ALMS). Identifiers: Orphanet 64, MedGen C0268425, MONDO:0008763, OMIM 203800.

Allele frequency attached by ClinVar (database versions not stated): TOPMed below 0.00001; gnomAD exomes 0.00002; ExAC 0.00007.
gnomAD v4.1: 22 of 1,614,076 alleles (0.0014%); highest among the groups gnomAD compares: Non-Finnish European, 0.0019%; no homozygotes.

Submissions (2):

Ambry Genetics
Classification: Uncertain significance for Cardiovascular phenotype. Last evaluated: 2023-08-11. Review status: criteria provided, single submitter. Criteria: Ambry Variant Classification Scheme 2023. Collection method: clinical testing. Allele origin: germline.
Comment: The p.A1453T variant (also known as c.4357G>A), located in coding exon 8 of the ALMS1 gene, results from a G to A substitution at nucleotide position 4357. The alanine at codon 1453 is replaced by threonine, an amino acid with similar properties. This amino acid position is not well conserved in available vertebrate species. In addition, this alteration is predicted to be tolerated by in silico analysis. Since supporting evidence is limited at this time, the clinical significance of this alteration remains unclear.

Labcorp Genetics (formerly Invitae), Labcorp
Classification: Uncertain significance for Alstrom syndrome. Last evaluated: 2022-05-04. Review status: criteria provided, single submitter. Criteria: Invitae Variant Classification Sherloc (09022015). Collection method: clinical testing. Allele origin: germline.
Comment: This sequence change replaces alanine, which is neutral and non-polar, with threonine, which is neutral and polar, at codon 1453 of the ALMS1 protein (p.Ala1453Thr). This variant is present in population databases (rs749337113, gnomAD 0.008%). This variant has not been reported in the literature in individuals affected with ALMS1-related conditions. Experimental studies and prediction algorithms are not available or were not evaluated, and the functional significance of this variant is currently unknown. In summary, the available evidence is currently insufficient to determine the role of this variant in disease. Therefore, it has been classified as a Variant of Uncertain Significance.